The following is an entry in ClinVar:

ClinVar aggregate classification (germline): Uncertain significance. Review status: criteria provided, multiple submitters, no conflicts (2 of 4 stars). 3 submissions from 3 submitters: Uncertain significance (2). 1 of the submissions does not count toward it. Last evaluated 2022-04-22.

Conditions:
Hypogonadotropic hypogonadism 7 with or without anosmia (HH7). Also called: GNRHR-Related GnRH Deficiency; HYPOGONADOTROPIC HYPOGONADISM 7 WITHOUT ANOSMIA. Identifiers: Orphanet 432, MedGen C0342384, MONDO:0007794, OMIM 146110.
CHARGE syndrome (CHARGE). Also called: Hittner Hirsch Kreh syndrome; CHARGE ASSOCIATION--COLOBOMA, HEART ANOMALY, CHOANAL ATRESIA, RETARDATION, GENITAL AND EAR ANOMALIES; Coloboma, heart anomaly, choanal atresia, retardation, genital and ear anomalies; CHARGE association; Hall-Hittner syndrome. Identifiers: Orphanet 138, MedGen C0265354, MONDO:0008965.
SEMA3E-related disorder. Also called: SEMA3E-related condition.

Allele frequency attached by ClinVar (database versions not stated): TOPMed below 0.00001; gnomAD exomes 0.00001 and 0.00003; ExAC 0.00004.
gnomAD v4.1: 6 of 1,612,974 alleles (0.00037%); highest among the groups gnomAD compares: Admixed American, 0.01%; no homozygotes.

Submissions (3):

Fulgent Genetics
Classification: Uncertain significance for Hypogonadotropic hypogonadism 7 with or without anosmia; CHD7-related CHARGE syndrome. Last evaluated: 2022-04-22. Review status: criteria provided, single submitter. Criteria: ACMG Guidelines, 2015. Collection method: clinical testing. Allele origin: unknown.

Labcorp Genetics (formerly Invitae), Labcorp
Classification: Uncertain significance for CHARGE syndrome. Last evaluated: 2021-04-11. Review status: criteria provided, single submitter. Criteria: Invitae Variant Classification Sherloc (09022015). Collection method: clinical testing. Allele origin: germline.
Comment: This variant is present in population databases (rs747326285, ExAC 0.04%). This sequence change replaces aspartic acid with glycine at codon 685 of the SEMA3E protein (p.Asp685Gly). The aspartic acid residue is moderately conserved and there is a moderate physicochemical difference between aspartic acid and glycine. This variant has not been reported in the literature in individuals with SEMA3E-related conditions. In summary, the available evidence is currently insufficient to determine the role of this variant in disease. Therefore, it has been classified as a Variant of Uncertain Significance. Algorithms developed to predict the effect of missense changes on protein structure and function are either unavailable or do not agree on the potential impact of this missense change (SIFT: "Deleterious"; PolyPhen-2: "Benign"; Align-GVGD: "Class C0").

PreventionGenetics, part of Exact Sciences
Classification: Uncertain significance for SEMA3E-related condition. Last evaluated: 2024-08-12. Review status: no assertion criteria provided. Collection method: clinical testing. Allele origin: germline. Not counted in ClinVar's aggregate classification.
Comment: The SEMA3E c.2054A>G variant is predicted to result in the amino acid substitution p.Asp685Gly. To our knowledge, this variant has not been reported in the literature. This variant is reported in 0.020% of alleles in individuals of Latino descent in gnomAD. At this time, the clinical significance of this variant is uncertain due to the absence of conclusive functional and genetic evidence.

NM_012431.3(SEMA3E):c.2054A>G (p.Asp685Gly)

Gene: SEMA3E (semaphorin 3E; minus strand). Cytogenetic location: 7q21.11.
Variant type: single nucleotide variant.
Coding change: c.2054A>G on transcript NM_012431.3 (MANE Select); coding-DNA position 2054, A replaced by G.
Protein change: p.Asp685Gly; replaces aspartic acid 685 with glycine.
Molecular consequence: missense variant.
Genome position (GRCh38, 1-based): chr7:83,367,860, T>C on the plus strand (A>G on the coding strand, the complement: SEMA3E is on the minus strand). VCF-style: chr7-83367860-T-C. GRCh37 (hg19) VCF-style: chr7-82997176-T-C.
Other names: c.2054A>G (NM_012431.2); c.1874A>G, p.Asp625Gly (NM_001178129.2); short protein forms D685G, D625G.
Identifiers: ClinVar variation 1393173 (VCV001393173.10), dbSNP rs747326285, ClinGen allele CA4321835.